The following is an entry in ClinVar:

NM_002645.4(PIK3C2A):c.640A>G (p.Ile214Val)

Gene: PIK3C2A (phosphatidylinositol-4-phosphate 3-kinase catalytic subunit type 2 alpha; minus strand). Cytogenetic location: 11p15.1.
Variant type: single nucleotide variant.
Coding change: c.640A>G on transcript NM_002645.4 (MANE Select); coding-DNA position 640, A replaced by G.
Protein change: p.Ile214Val; replaces isoleucine 214 with valine.
Molecular consequence: missense variant. On other transcripts: intron variant (1).
Genome position (GRCh38, 1-based): chr11:17,169,102, T>C on the plus strand (A>G on the coding strand, the complement: PIK3C2A is on the minus strand). VCF-style: chr11-17169102-T-C. GRCh37 (hg19) VCF-style: chr11-17190649-T-C.
Other names: c.640A>G (NM_001321378.1); c.640A>G, p.Ile214Val (NM_001321378.2, NM_001386870.1); c.-75-13473A>G (NM_001321380.2); short protein forms I214V.
Identifiers: ClinVar variation 2054153 (VCV002054153.6), dbSNP rs139351396, ClinGen allele CA5901526.
Genomic context (GRCh38, chr11:17,169,102, plus strand): 5'-ATGTACTAGCTATTTTGTCAAATAGTTTTGCCATGTCAGTACTGACTACTGGACGATAGA[T>C]AGGTAAGCTTCCTTGTGGATGAAAGGGTGTGGCAGGTGTCAAAGGATATGAGAAATATGG-3'
Protein context (NP_002636.2, residues 204-224): TPFHPQGSLP[Ile214Val]YRPVVSTDMA

ClinVar aggregate classification (germline): Conflicting classifications of pathogenicity. Review status: criteria provided, conflicting classifications (1 of 4 stars). 3 submissions from 3 submitters: Uncertain significance (1); Likely benign (1). 1 of the submissions does not count toward it. Last evaluated 2025-07-20.

Conditions:
PIK3C2A-related disorder. Also called: PIK3C2A-related condition.

Allele frequency attached by ClinVar (database versions not stated): gnomAD exomes 0.00051; ESP Exome Variant Server 0.00054; ExAC 0.00020; TOPMed 0.00029; gnomAD 0.00033.
gnomAD v4.1: 784 of 1,614,098 alleles (0.049%); highest among the groups gnomAD compares: Non-Finnish European, 0.063%; 1 homozygote.

Submissions (3):

Labcorp Genetics (formerly Invitae), Labcorp
Classification: Likely benign. Last evaluated: 2025-07-20. Review status: criteria provided, single submitter. Criteria: Invitae Variant Classification Sherloc (09022015). Collection method: clinical testing. Allele origin: germline.

Ambry Genetics
Classification: Uncertain significance. Last evaluated: 2021-09-30. Review status: criteria provided, single submitter. Criteria: Ambry Variant Classification Scheme 2023. Collection method: clinical testing. Allele origin: germline.

PreventionGenetics, part of Exact Sciences
Classification: Uncertain significance for PIK3C2A-related condition. Last evaluated: 2024-08-09. Review status: no assertion criteria provided. Collection method: clinical testing. Allele origin: germline. Not counted in ClinVar's aggregate classification.
Comment: The PIK3C2A c.640A>G variant is predicted to result in the amino acid substitution p.Ile214Val. To our knowledge, this variant has not been reported in the literature. This variant is reported in 0.053% of alleles in individuals of European (Non-Finnish) descent in gnomAD. At this time, the clinical significance of this variant is uncertain due to the absence of conclusive functional and genetic evidence.